The following is an entry in ClinVar:

ClinVar aggregate classification (germline): Pathogenic/Likely pathogenic. Review status: criteria provided, multiple submitters, no conflicts (2 of 4 stars). 2 submissions from 2 submitters: Pathogenic (1); Likely pathogenic (1). Last evaluated 2025-04-23.

Conditions:
Legius syndrome. Identifiers: Orphanet 137605, MedGen C1969623, MONDO:0012669, OMIM 611431. Disease mechanism: loss of function.

Submissions (2):

GeneDx
Classification: Likely pathogenic. Last evaluated: 2025-04-23. Review status: criteria provided, single submitter. Criteria: GeneDx Variant Classification Process June 2021. Collection method: clinical testing. Allele origin: germline. Affected: yes.
Comment: Observed in an individual with features of Legius syndrome (PMID: 19920235); Frameshift variant predicted to result in abnormal protein length as the last 137 amino acid(s) are replaced with 3 different amino acid(s), and other similar variants have been reported in HGMD; Not observed at significant frequency in large population cohorts (gnomAD); This variant is associated with the following publications: (PMID: 17704776, 19920235)

Labcorp Genetics (formerly Invitae), Labcorp
Classification: Pathogenic for Legius syndrome. Last evaluated: 2019-01-13. Review status: criteria provided, single submitter. Criteria: Invitae Variant Classification Sherloc (09022015). Collection method: clinical testing. Allele origin: germline.
Comment: This sequence change results in a premature translational stop signal in the SPRED1 gene (p.Ser308Cysfs*4). While this is not anticipated to result in nonsense mediated decay, it is expected to disrupt the last 137 amino acids of the SPRED1 protein. This variant is not present in population databases (ExAC no frequency). This variant has been reported in two individuals from the same family affected with neurofibromatosis type 1-like syndrome (NFLS), also known as Legius syndrome (PMID: 19920235). ClinVar contains an entry for this variant (Variation ID: 468800). A different frameshift mutation, c.1149_1152del (p.Gly385Ilefs*20), downstream of this variant has been observed in individuals and families with Legius syndrome (PMID: 17704776, 21089071), which suggests a truncation in the last exon disrupts SPRED1 function and causes disease. For these reasons, this variant has been classified as Pathogenic.

Literature cited by the submitters: PubMed 19920235 (cited by Labcorp Genetics (formerly Invitae), Labcorp); PubMed 17704776 (cited by Labcorp Genetics (formerly Invitae), Labcorp); PubMed 21089071 (cited by Labcorp Genetics (formerly Invitae), Labcorp).

NM_152594.3(SPRED1):c.923_924del (p.Ser308fs)

Gene: SPRED1 (sprouty related EVH1 domain containing 1; plus strand). Cytogenetic location: 15q14.
Variant type: Microsatellite.
Coding change: c.923_924del on transcript NM_152594.3 (MANE Select); coding-DNA positions 923 to 924, 2 bases deleted (CT; older notation c.923_924delCT).
Protein change: p.Ser308fs; shifts the reading frame from serine 308.
Molecular consequence: frameshift variant.
Genome position (GRCh38, 1-based): chr15:38,351,252-38,351,253, CT deleted; deleting any 2 consecutive bases within chr15:38,351,250-38,351,253 gives the same sequence; the c. name uses the placement nearest the transcript's 3' end. VCF-style (leftmost placement, unchanged base first): chr15-38351249-ACT-A. GRCh37 (hg19) VCF-style: chr15-38643450-ACT-A.
Other names: c.923_924del (NM_152594.2); short protein forms S308fs.
Identifiers: ClinVar variation 468800 (VCV000468800.12), dbSNP rs1555392759, ClinGen allele CA658658281.